The following is an entry in ClinVar:

NM_173086.5(KRT6C):c.157G>A (p.Gly53Arg)

Gene: KRT6C (keratin 6C; minus strand). Cytogenetic location: 12q13.13.
Variant type: single nucleotide variant.
Coding change: c.157G>A on transcript NM_173086.5 (MANE Select); coding-DNA position 157, G replaced by A.
Protein change: p.Gly53Arg; replaces glycine 53 with arginine.
Molecular consequence: missense variant.
Genome position (GRCh38, 1-based): chr12:52,473,581, C>T on the plus strand (G>A on the coding strand, the complement: KRT6C is on the minus strand). VCF-style: chr12-52473581-C-T. GRCh37 (hg19) VCF-style: chr12-52867365-C-T.
Other names: short protein forms G53R.
Identifiers: ClinVar variation 3025803 (VCV003025803.22), dbSNP rs758422394, ClinGen allele CA6581648.

ClinVar aggregate classification (germline): Likely benign (1 of 4 stars; one submission).

Allele frequency attached by ClinVar (database versions not stated): ExAC 0.00018.

Submission:

CeGaT Center for Human Genetics Tuebingen
Classification: Likely benign. Last evaluated: 2023-12-01. Review status: criteria provided, single submitter. Criteria: CeGaT Center For Human Genetics Tuebingen Variant Classification Criteria Version 2. Collection method: clinical testing. Allele origin: germline. Affected: yes. Observed: 1 variant allele.
Comment: KRT6C: PP2, BS2